The following is an entry in ClinVar:

NM_024675.4(PALB2):c.1853A>T (p.Asp618Val)

Gene: PALB2 (partner and localizer of BRCA2; minus strand). Cytogenetic location: 16p12.2.
Variant type: single nucleotide variant.
Coding change: c.1853A>T on transcript NM_024675.4 (MANE Select); coding-DNA position 1853, A replaced by T.
Protein change: p.Asp618Val; replaces aspartic acid 618 with valine.
Molecular consequence: missense variant.
Genome position (GRCh38, 1-based): chr16:23,630,301, T>A on the plus strand (A>T on the coding strand, the complement: PALB2 is on the minus strand). VCF-style: chr16-23630301-T-A. GRCh37 (hg19) VCF-style: chr16-23641622-T-A.
Other names: short protein forms D618V.
Identifiers: ClinVar variation 830148 (VCV000830148.1), dbSNP rs1966864901, ClinGen allele CA395127779.

ClinVar aggregate classification (germline): Uncertain significance (0 of 4 stars; one submission).

Submission:

Leiden Open Variation Database
Classification: Uncertain significance. Last evaluated: 2018-10-10. Review status: no assertion criteria provided. Collection method: curation. Allele origin: germline. Affected: yes.
Comment: Curators: Marc Tischkowitz, Arleen D. Auerbach. Submitter to LOVD: Yukihide Momozawa.

Literature cited by the submitters: PubMed 30287823.